The following is an entry in ClinVar:

ClinVar aggregate classification (germline): Uncertain significance (1 of 4 stars; one submission).

Conditions:
Familial cancer of breast. Also called: Hereditary breast cancer; hereditary breast carcinoma; BREAST CANCER, FAMILIAL. Identifiers: Orphanet 227535, MedGen C0346153, MONDO:0016419, OMIM 114480. Disease mechanism: loss of function.

Submission:

Labcorp Genetics (formerly Invitae), Labcorp
Classification: Uncertain significance for Familial cancer of breast. Last evaluated: 2023-03-17. Review status: criteria provided, single submitter. Criteria: Invitae Variant Classification Sherloc (09022015). Collection method: clinical testing. Allele origin: germline.
Comment: In summary, the available evidence is currently insufficient to determine the role of this variant in disease. Therefore, it has been classified as a Variant of Uncertain Significance. Experimental studies and prediction algorithms are not available or were not evaluated, and the functional significance of this variant is currently unknown. This variant has not been reported in the literature in individuals affected with CHEK2-related conditions. This variant results in a copy number gain of the genomic region encompassing exon(s) 2-13 of the CHEK2 gene. This region includes the initiator codon of the gene. This copy number gain extends beyond the assayed region for this gene and therefore may encompass additional genes. As the precise location of this event is unknown, it may be in tandem or it may be located elsewhere in the genome.

NC_000022.10:g.(?_29090010)_(29130713_?)dup

Gene: CHEK2 (checkpoint kinase 2; minus strand). Cytogenetic location: 22q12.1.
Variant type: Duplication.
Identifiers: ClinVar variation 2425694 (VCV002425694.4).